The following is an entry in ClinVar:

ClinVar aggregate classification (germline): Uncertain significance. Review status: criteria provided, multiple submitters, no conflicts (2 of 4 stars). 2 submissions from 2 submitters: Uncertain significance (2). Last evaluated 2025-07-22.

Conditions:
Hereditary cancer-predisposing syndrome. Also called: Hereditary Cancer Syndrome; Hereditary neoplastic syndrome; Neoplastic Syndromes, Hereditary; Tumor predisposition. Identifiers: Orphanet 140162, MedGen C0027672, MeSH D009386, MONDO:0015356.
Familial cancer of breast. Also called: Hereditary breast cancer; BREAST CANCER, FAMILIAL; hereditary breast carcinoma. Identifiers: Orphanet 227535, MedGen C0346153, MONDO:0016419, OMIM 114480. Disease mechanism: loss of function.

Submissions (2):

Ambry Genetics
Classification: Uncertain significance for Hereditary cancer-predisposing syndrome. Last evaluated: 2025-07-22. Review status: criteria provided, single submitter. Criteria: Ambry Variant Classification Scheme 2023. Collection method: clinical testing. Allele origin: germline.
Comment: The p.S187F variant (also known as c.560C>T), located in coding exon 3 of the CHEK2 gene, results from a C to T substitution at nucleotide position 560. The serine at codon 187 is replaced by phenylalanine, an amino acid with highly dissimilar properties. This amino acid position is conserved. In addition, the in silico prediction for this alteration is inconclusive. Based on the available evidence, the clinical significance of this variant remains unclear.

Labcorp Genetics (formerly Invitae), Labcorp
Classification: Uncertain significance for Familial cancer of breast. Last evaluated: 2024-10-22. Review status: criteria provided, single submitter. Criteria: Invitae Variant Classification Sherloc (09022015). Collection method: clinical testing. Allele origin: germline.
Comment: This sequence change replaces serine, which is neutral and polar, with phenylalanine, which is neutral and non-polar, at codon 187 of the CHEK2 protein (p.Ser187Phe). This variant is not present in population databases (gnomAD no frequency). This variant has not been reported in the literature in individuals affected with CHEK2-related conditions. An algorithm developed to predict the effect of missense changes on protein structure and function (PolyPhen-2) suggests that this variant is likely to be disruptive. In summary, the available evidence is currently insufficient to determine the role of this variant in disease. Therefore, it has been classified as a Variant of Uncertain Significance.

NM_007194.4(CHEK2):c.560C>T (p.Ser187Phe)

Gene: CHEK2 (checkpoint kinase 2; minus strand). Cytogenetic location: 22q12.1.
Variant type: single nucleotide variant.
Coding change: c.560C>T on transcript NM_007194.4 (MANE Select); coding-DNA position 560, C replaced by T.
Protein change: p.Ser187Phe; replaces serine 187 with phenylalanine.
Molecular consequence: missense variant. On other transcripts: 5 prime UTR variant (2), intron variant (1).
Genome position (GRCh38, 1-based): chr22:28,725,009, G>A on the plus strand (C>T on the coding strand, the complement: CHEK2 is on the minus strand). VCF-style: chr22-28725009-G-A. GRCh37 (hg19) VCF-style: chr22-29120997-G-A.
Other names: c.689C>T, p.Ser230Phe (NM_001005735.3, NM_001438294.1); c.-218C>T (NM_001257387.3); c.-104C>T (NM_001437942.1); c.653C>T, p.Ser218Phe (NM_001438293.1, NM_001438295.1); c.560C>T, p.Ser187Phe (NM_145862.3); c.445-86C>T (NM_001349956.3); c.560C>T (NM_007194.3); short protein forms S187F, S230F, S218F.
Identifiers: ClinVar variation 3723402 (VCV003723402.3).